The following is an entry in ClinVar:

NM_058195.4(CDKN2A):c.17T>C (p.Leu6Ser)

Gene: CDKN2A (cyclin dependent kinase inhibitor 2A; minus strand). Cytogenetic location: 9p21.3.
Variant type: single nucleotide variant.
Coding change: c.17T>C on transcript NM_058195.4 (MANE Plus Clinical); coding-DNA position 17, T replaced by C.
Protein change: p.Leu6Ser; replaces leucine 6 with serine.
Molecular consequence: missense variant. On other transcripts: intron variant (1).
Genome position (GRCh38, 1-based): chr9:21,994,315, A>G on the plus strand (T>C on the coding strand, the complement: CDKN2A is on the minus strand). VCF-style: chr9-21994315-A-G. GRCh37 (hg19) VCF-style: chr9-21994314-A-G.
Other names: c.-4+506T>C (NM_001363763.2); short protein forms L6S.
Identifiers: ClinVar variation 2563900 (VCV002563900.3), dbSNP rs2489328317, ClinGen allele CA373087105.

ClinVar aggregate classification (germline): Uncertain significance (1 of 4 stars; one submission).

Conditions:
Hereditary cancer-predisposing syndrome. Also called: Hereditary Cancer Syndrome; Hereditary neoplastic syndrome; Neoplastic Syndromes, Hereditary; Tumor predisposition. Identifiers: Orphanet 140162, MedGen C0027672, MeSH D009386, MONDO:0015356.

Submission:

Ambry Genetics
Classification: Uncertain significance for Hereditary cancer-predisposing syndrome. Last evaluated: 2025-07-17. Review status: criteria provided, single submitter. Criteria: Ambry Variant Classification Scheme 2023. Collection method: clinical testing. Allele origin: germline.
Comment: The p.L6S variant (also known as c.17T>C), located in coding exon 1 of the CDKN2A (p14ARF) gene, results from a T to C substitution at nucleotide position 17. The leucine at codon 6 is replaced by serine, an amino acid with dissimilar properties. This amino acid position is well conserved in available vertebrate species. Based on the available evidence, the clinical significance of this variant remains unclear.